The following is an entry in ClinVar:

NM_001148.6(ANK2):c.5971C>T (p.Arg1991Trp)

Genes: ANK2 (ankyrin 2; plus strand), LOC126807136 (MED14-independent group 3 enhancer GRCh37_chr4:114274931-114276130; plus strand). Cytogenetic location: 4q26.
Variant type: single nucleotide variant.
Coding change: c.5971C>T on transcript NM_001148.6 (MANE Select); coding-DNA position 5971, C replaced by T.
Protein change: p.Arg1991Trp; replaces arginine 1991 with tryptophan.
Molecular consequence: missense variant. On other transcripts: intron variant (68).
Genome position (GRCh38, 1-based): chr4:113,354,589, C>T. VCF-style: chr4-113354589-C-T. GRCh37 (hg19) VCF-style: chr4-114275745-C-T.
Other names: c.5737C>T, p.Arg1913Trp (NM_001386142.1); c.2371C>T, p.Arg791Trp (NM_001386166.1); c.6112C>T, p.Arg2038Trp (NM_001386174.1); c.6088C>T, p.Arg2030Trp (NM_001386175.1); c.4411+4340C>T (NM_001386186.2, NM_001386148.2); c.4213+4340C>T (NM_001354269.3); c.4291+4340C>T (NM_001386187.2); c.4252+4340C>T (NM_001386147.1); and 35 more; short protein forms R1991W, R1913W, R2030W, R2038W, R791W.
Identifiers: ClinVar variation 658391 (VCV000658391.6), dbSNP rs1442984107, ClinGen allele CA357921947.

ClinVar aggregate classification (germline): Uncertain significance (1 of 4 stars; one submission).

Conditions:
Long QT syndrome (LQTS). Identifiers: MedGen C0023976, MeSH D008133, MONDO:0002442. Disease mechanism: loss of function. Inheritance: Various modes of inheritance.

Allele frequency attached by ClinVar (database versions not stated): gnomAD below 0.00001 and 0.00001; gnomAD exomes below 0.00001; TOPMed 0.00002.
gnomAD v4.1: 6 of 1,613,848 alleles (0.00037%); highest among the groups gnomAD compares: South Asian, 0.0011%; no homozygotes.

Submission:

Labcorp Genetics (formerly Invitae), Labcorp
Classification: Uncertain significance for Long QT syndrome. Last evaluated: 2025-02-20. Review status: criteria provided, single submitter. Criteria: Invitae Variant Classification Sherloc (09022015). Collection method: clinical testing. Allele origin: germline.
Comment: This sequence change replaces arginine, which is basic and polar, with tryptophan, which is neutral and slightly polar, at codon 1991 of the ANK2 protein (p.Arg1991Trp). This variant is present in population databases (no rsID available, gnomAD no frequency). This variant has not been reported in the literature in individuals affected with ANK2-related conditions. ClinVar contains an entry for this variant (Variation ID: 658391). An algorithm developed to predict the effect of missense changes on protein structure and function (PolyPhen-2) suggests that this variant is likely to be disruptive. In summary, the available evidence is currently insufficient to determine the role of this variant in disease. Therefore, it has been classified as a Variant of Uncertain Significance.